The following is an entry in ClinVar:

ClinVar aggregate classification (germline): Uncertain significance (1 of 4 stars; one submission).

Submission:

Labcorp Genetics (formerly Invitae), Labcorp
Classification: Uncertain significance. Last evaluated: 2025-12-19. Review status: criteria provided, single submitter. Criteria: Invitae Variant Classification Sherloc (09022015). Collection method: clinical testing. Allele origin: germline.
Comment: This sequence change replaces glutamine, which is neutral and polar, with arginine, which is basic and polar, at codon 720 of the CACNA1D protein (p.Gln720Arg). This variant is not present in population databases (gnomAD no frequency). This variant has not been reported in the literature in individuals affected with CACNA1D-related conditions. An algorithm developed to predict the effect of missense changes on protein structure and function (PolyPhen-2) suggests that this variant is likely to be disruptive. In summary, the available evidence is currently insufficient to determine the role of this variant in disease. Therefore, it has been classified as a Variant of Uncertain Significance.

NM_001128840.3(CACNA1D):c.2099A>G (p.Gln700Arg)

Gene: CACNA1D (calcium voltage-gated channel subunit alpha1 D; plus strand). Cytogenetic location: 3p21.1.
Variant type: single nucleotide variant.
Coding change: c.2099A>G on transcript NM_001128840.3 (MANE Select); coding-DNA position 2099, A replaced by G.
Protein change: p.Gln700Arg; replaces glutamine 700 with arginine.
Molecular consequence: missense variant.
Genome position (GRCh38, 1-based): chr3:53,723,998, A>G. VCF-style: chr3-53723998-A-G. GRCh37 (hg19) VCF-style: chr3-53758025-A-G.
Other names: c.2159A>G, p.Gln720Arg (NM_000720.4); c.2099A>G, p.Gln700Arg (NM_001128839.3); short protein forms Q700R, Q720R.
Identifiers: ClinVar variation 4733279 (VCV004733279.1).